The following is an entry in ClinVar:

NM_138713.4(NFAT5):c.2435G>C (p.Ser812Thr)

Gene: NFAT5 (nuclear factor of activated T cells 5; plus strand). Cytogenetic location: 16q22.1.
Variant type: single nucleotide variant.
Coding change: c.2435G>C on transcript NM_138713.4 (MANE Select); coding-DNA position 2435, G replaced by C.
Protein change: p.Ser812Thr; replaces serine 812 with threonine.
Molecular consequence: missense variant.
Genome position (GRCh38, 1-based): chr16:69,692,260, G>C. VCF-style: chr16-69692260-G-C. GRCh37 (hg19) VCF-style: chr16-69726163-G-C.
Other names: c.2432G>C, p.Ser811Thr (NM_001113178.3); c.1760G>C, p.Ser587Thr (NM_001367709.1); c.2381G>C, p.Ser794Thr (NM_006599.4); c.2153G>C, p.Ser718Thr (NM_138714.4, NM_173214.3, NM_173215.3); short protein forms S812T, S811T, S587T, S718T, S794T.
Identifiers: ClinVar variation 1376906 (VCV001376906.6), dbSNP rs903831612, ClinGen allele CA283373500.
Genomic context (GRCh38, chr16:69,692,260, plus strand): 5'-CTATTCAGCAGCTGCAAGCAGGGAGTTTCACAGGCAGTACTGCTAGTGGCAGCAGTGGAA[G>C]TGTTGACTTGGTCCAACAAGTTTTAGAGGCACAGCAGCAGTTATCTTCAGTTTTATTTTC-3'
Protein context (NP_619727.2, residues 802-822): TGSTASGSSG[Ser812Thr]VDLVQQVLEA

ClinVar aggregate classification (germline): Uncertain significance (1 of 4 stars; one submission).

Conditions:
Immunodeficiency. Identifiers: MedGen C0021051, MONDO:0021094, HP:0002721.

Allele frequency attached by ClinVar (database versions not stated): gnomAD exomes below 0.00001 and 0.00001; TOPMed below 0.00001.
gnomAD v4.1: 15 of 1,614,068 alleles (0.00093%); highest among the groups gnomAD compares: African/African-American, 0.0013%; no homozygotes.

Submission:

Labcorp Genetics (formerly Invitae), Labcorp
Classification: Uncertain significance for Immunodeficiency. Last evaluated: 2025-12-31. Review status: criteria provided, single submitter. Criteria: Invitae Variant Classification Sherloc (09022015). Collection method: clinical testing. Allele origin: germline.
Comment: This sequence change replaces serine, which is neutral and polar, with threonine, which is neutral and polar, at codon 718 of the NFAT5 protein (p.Ser718Thr). This variant is present in population databases (no rsID available, gnomAD 0.004%). This variant has not been reported in the literature in individuals affected with NFAT5-related conditions. ClinVar contains an entry for this variant (Variation ID: 1376906). An algorithm developed to predict the effect of missense changes on protein structure and function (PolyPhen-2) suggests that this variant is likely to be tolerated. In summary, the available evidence is currently insufficient to determine the role of this variant in disease. Therefore, it has been classified as a Variant of Uncertain Significance.